The following is an entry in ClinVar:

ClinVar aggregate classification (germline): Likely benign (0 of 4 stars; one submission).

Conditions:
ABCA12-related disorder. Also called: ABCA12-related condition.

Submission:

PreventionGenetics, part of Exact Sciences
Classification: Likely benign for ABCA12-related condition. Last evaluated: 2020-04-06. Review status: no assertion criteria provided. Collection method: clinical testing. Allele origin: germline.
Comment: This variant is classified as likely benign based on ACMG/AMP sequence variant interpretation guidelines (Richards et al. 2015 PMID: 25741868, with internal and published modifications).

NM_173076.3(ABCA12):c.3294+4T>C

Gene: ABCA12 (ATP binding cassette subfamily A member 12; minus strand). Cytogenetic location: 2q35.
Variant type: single nucleotide variant.
Coding change: c.3294+4T>C on transcript NM_173076.3 (MANE Select); 4 bases into the intron after coding-DNA position 3294, T replaced by C.
Molecular consequence: intron variant.
Genome position (GRCh38, 1-based): chr2:214,997,691, A>G on the plus strand (T>C on the coding strand, the complement: ABCA12 is on the minus strand). VCF-style: chr2-214997691-A-G. GRCh37 (hg19) VCF-style: chr2-215862415-A-G.
Other names: c.2340+4T>C (NM_015657.4).
Identifiers: ClinVar variation 3047391 (VCV003047391.2), dbSNP rs2469276917, ClinGen allele CA2740096434.